The following is an entry in ClinVar:

NM_020989.4(CRYGC):c.411_417delinsTCGTAGACGGGGCAATACCCTCGTAGACGGGCAATACCTCGTAGACGGGGCAATACCCTCGTAGA (p.Asn138_Tyr139delinsArgArgArgGlyAsnThrLeuValAspGlyGlnTyrLeuValAspGlyAlaIleProSerTer)

Genes: CRYGC (crystallin gamma C; minus strand), LOC100507443 (uncharacterized LOC100507443; plus strand). Cytogenetic location: 2q33.3.
Variant type: Indel.
Coding change: c.411_417delinsTCGTAGACGGGGCAATACCCTCGTAGACGGGCAATACCTCGTAGACGGGGCAATACCCTCGTAGA on transcript NM_020989.4 (MANE Select); coding-DNA positions 411 to 417, the reference bases replaced by an inserted sequence.
Protein change: p.Asn138_Tyr139delinsArgArgArgGlyAsnThrLeuValAspGlyGlnTyrLeuValAspGlyAlaIleProSerTer.
Molecular consequence: nonsense.
Genome position (GRCh38, 1-based): chr2:208,128,311-208,128,317, 7 bases replaced. GRCh37 (hg19): chr2:208,993,035-208,993,041.
Identifiers: ClinVar variation 2031157 (VCV002031157.4), dbSNP rs2468835044, ClinGen allele CA2580065483.

ClinVar aggregate classification (germline): Likely pathogenic (1 of 4 stars; one submission).

Conditions:
Nuclear pulverulent cataract (CTRCT2). Identifiers: MedGen C1852438, HP:0010698.

Submission:

Labcorp Genetics (formerly Invitae), Labcorp
Classification: Likely pathogenic for Nuclear pulverulent cataract. Last evaluated: 2022-11-28. Review status: criteria provided, single submitter. Criteria: Invitae Variant Classification Sherloc (09022015). Collection method: clinical testing. Allele origin: germline.
Comment: This sequence change creates a premature translational stop signal (p.Asn138Argfs*21) in the CRYGC gene. While this is not anticipated to result in nonsense mediated decay, it is expected to disrupt the last 37 amino acid(s) of the CRYGC protein. This variant is not present in population databases (gnomAD no frequency). This premature translational stop signal has been observed in individual(s) with congenital cataracts (Invitae). In at least one individual the variant was observed to be de novo. In summary, the currently available evidence indicates that the variant is pathogenic, but additional data are needed to prove that conclusively. Therefore, this variant has been classified as Likely Pathogenic.